The following is an entry in ClinVar:

ClinVar aggregate classification (germline): Pathogenic. Review status: criteria provided, multiple submitters, no conflicts (2 of 4 stars). 3 submissions from 3 submitters: Pathogenic (2). 1 of the submissions does not count toward it. Last evaluated 2024-04-04.

Conditions:
Pontocerebellar hypoplasia type 1B. Also called: EXOSC3 Pontocerebellar Hypoplasia. Identifiers: Orphanet 2254, MedGen C3553449, MONDO:0013853, OMIM 614678.

Submissions (3):

Fulgent Genetics
Classification: Pathogenic for Pontocerebellar hypoplasia type 1B. Last evaluated: 2024-04-04. Review status: criteria provided, single submitter. Criteria: ACMG Guidelines, 2015. Collection method: clinical testing. Allele origin: germline.

Labcorp Genetics (formerly Invitae), Labcorp
Classification: Pathogenic for Pontocerebellar hypoplasia type 1B. Last evaluated: 2023-07-25. Review status: criteria provided, single submitter. Criteria: Invitae Variant Classification Sherloc (09022015). Collection method: clinical testing. Allele origin: germline.
Comment: This variant is not present in population databases (gnomAD no frequency). For these reasons, this variant has been classified as Pathogenic. ClinVar contains an entry for this variant (Variation ID: 31690). This premature translational stop signal has been observed in individual(s) with pontocerebellar hypoplasia (PMID: 22544365). This sequence change creates a premature translational stop signal (p.Val99Trpfs*11) in the EXOSC3 gene. It is expected to result in an absent or disrupted protein product. Loss-of-function variants in EXOSC3 are known to be pathogenic (PMID: 22544365, 23284067, 24524299).

OMIM
Classification: Pathogenic for PONTOCEREBELLAR HYPOPLASIA, TYPE 1B. Last evaluated: 2012-04-29. Review status: no assertion criteria provided. Collection method: literature only. Allele origin: germline. Not counted in ClinVar's aggregate classification.

Literature cited by the submitters: PubMed 22544365 (cited by Labcorp Genetics (formerly Invitae), Labcorp and OMIM); PubMed 23284067 (cited by Labcorp Genetics (formerly Invitae), Labcorp); PubMed 24524299 (cited by Labcorp Genetics (formerly Invitae), Labcorp).

NM_016042.4(EXOSC3):c.294_303del (p.Val99fs)

Genes: EXOSC3 (exosome component 3; minus strand), LOC130001814 (ATAC-STARR-seq lymphoblastoid active region 28402; plus strand). Cytogenetic location: 9p13.2.
Variant type: Deletion.
Coding change: c.294_303del on transcript NM_016042.4 (MANE Select); coding-DNA positions 294 to 303, 10 bases deleted (TGTTTACTGG; older notation c.294_303delTGTTTACTGG).
Protein change: p.Val99fs; shifts the reading frame from valine 99.
Molecular consequence: frameshift variant.
Genome position (GRCh38, 1-based): chr9:37,784,742-37,784,751, CCAGTAAACA deleted on the plus strand (TGTTTACTGG on the coding strand, the reverse complement: EXOSC3 is on the minus strand); deleting any 10 consecutive bases within chr9:37,784,742-37,784,753 gives the same sequence; the c. name uses the placement nearest the transcript's 3' end. VCF-style (leftmost placement, unchanged base first): chr9-37784741-CCCAGTAAACA-C. GRCh37 (hg19) VCF-style: chr9-37784738-CCCAGTAAACA-C.
Other names: c.294_303del, p.Val99fs (NM_001002269.2); short protein forms V99fs.
Identifiers: ClinVar variation 31690 (VCV000031690.5), dbSNP rs672601331, ClinGen allele CA260046.